The following is an entry in ClinVar:

NM_001277115.2(DNAH11):c.7387C>T (p.Pro2463Ser)

Gene: DNAH11 (dynein axonemal heavy chain 11; plus strand). Cytogenetic location: 7p15.3.
Variant type: single nucleotide variant.
Coding change: c.7387C>T on transcript NM_001277115.2 (MANE Select); coding-DNA position 7387, C replaced by T.
Protein change: p.Pro2463Ser; replaces proline 2463 with serine.
Molecular consequence: missense variant.
Genome position (GRCh38, 1-based): chr7:21,725,931, C>T. VCF-style: chr7-21725931-C-T. GRCh37 (hg19) VCF-style: chr7-21765549-C-T.
Other names: short protein forms P2463S.
Identifiers: ClinVar variation 4782133 (VCV004782133.1).

ClinVar aggregate classification (germline): Uncertain significance (1 of 4 stars; one submission).

Conditions:
Primary ciliary dyskinesia. Also called: Ciliary dyskinesia. Identifiers: Orphanet 244, MedGen C0008780, MONDO:0016575, HP:0012265.

gnomAD v4.1: 5 of 1,567,224 alleles (0.00032%); highest among the groups gnomAD compares: East Asian, 0.0023%; no homozygotes.

Submission:

Labcorp Genetics (formerly Invitae), Labcorp
Classification: Uncertain significance for Primary ciliary dyskinesia. Last evaluated: 2025-03-16. Review status: criteria provided, single submitter. Criteria: Invitae Variant Classification Sherloc (09022015). Collection method: clinical testing. Allele origin: germline.
Comment: This sequence change replaces proline, which is neutral and non-polar, with serine, which is neutral and polar, at codon 2463 of the DNAH11 protein (p.Pro2463Ser). This variant is not present in population databases (gnomAD no frequency). This variant has not been reported in the literature in individuals affected with DNAH11-related conditions. Invitae Evidence Modeling of protein sequence and biophysical properties (such as structural, functional, and spatial information, amino acid conservation, physicochemical variation, residue mobility, and thermodynamic stability) indicates that this missense variant is not expected to disrupt DNAH11 protein function with a negative predictive value of 95%. In summary, the available evidence is currently insufficient to determine the role of this variant in disease. Therefore, it has been classified as a Variant of Uncertain Significance.